The following is an entry in ClinVar:

ClinVar aggregate classification (germline): Uncertain significance (1 of 4 stars; one submission).

Conditions:
Anophthalmia-microphthalmia syndrome. Also called: Anophthalmia/Microphthalmia; Anophthalmia - microphthalmia. Identifiers: Orphanet 98555, MedGen C5680330, MONDO:0020147.

Submission:

Labcorp Genetics (formerly Invitae), Labcorp
Classification: Uncertain significance for Anophthalmia-microphthalmia syndrome. Last evaluated: 2024-07-22. Review status: criteria provided, single submitter. Criteria: Invitae Variant Classification Sherloc (09022015). Collection method: clinical testing. Allele origin: germline.
Comment: This sequence change replaces glycine, which is neutral and non-polar, with valine, which is neutral and non-polar, at codon 198 of the OTX2 protein (p.Gly198Val). This variant is not present in population databases (gnomAD no frequency). This variant has not been reported in the literature in individuals affected with OTX2-related conditions. ClinVar contains an entry for this variant (Variation ID: 2116260). An algorithm developed to predict the effect of missense changes on protein structure and function (PolyPhen-2) suggests that this variant is likely to be disruptive. In summary, the available evidence is currently insufficient to determine the role of this variant in disease. Therefore, it has been classified as a Variant of Uncertain Significance.

NM_021728.4(OTX2):c.617G>T (p.Gly206Val)

Gene: OTX2 (orthodenticle homeobox 2; minus strand). Cytogenetic location: 14q22.3.
Variant type: single nucleotide variant.
Coding change: c.617G>T on transcript NM_021728.4 (MANE Select); coding-DNA position 617, G replaced by T.
Protein change: p.Gly206Val; replaces glycine 206 with valine.
Molecular consequence: missense variant. On other transcripts: non-coding transcript variant (2).
Genome position (GRCh38, 1-based): chr14:56,802,012, C>A on the plus strand (G>T on the coding strand, the complement: OTX2 is on the minus strand). VCF-style: chr14-56802012-C-A. GRCh37 (hg19) VCF-style: chr14-57268730-C-A.
Other names: c.593G>T, p.Gly198Val (NM_001270523.2, NM_001270524.2, NM_172337.3); c.617G>T, p.Gly206Val (NM_001270525.2); short protein forms G206V, G198V.
Identifiers: ClinVar variation 2116260 (VCV002116260.4), dbSNP rs1891900750, ClinGen allele CA390051483.